The following is an entry in ClinVar:

ClinVar aggregate classification (germline): Pathogenic. Review status: criteria provided, multiple submitters, no conflicts (2 of 4 stars). 3 submissions from 3 submitters: Pathogenic (3). Last evaluated 2025-09-26.

Conditions:
Monogenic hearing loss.

Submissions (3):

Genetics Laboratory, Great Ormond Street Hospital NHS Foundation Trust, North Thames Genomic Laboratory Hub
Classification: Pathogenic for Monogenic hearing loss. Last evaluated: 2025-09-26. Review status: criteria provided, single submitter. Criteria: ACGS Best Practice Guidelines for Variant Classification in Rare Disease 2024 v1.2. Collection method: clinical testing. Allele origin: germline. Affected: yes.
Comment: PM2_moderate, PVS1_very-strong

Labcorp Genetics (formerly Invitae), Labcorp
Classification: Pathogenic. Last evaluated: 2024-05-15. Review status: criteria provided, single submitter. Criteria: Invitae Variant Classification Sherloc (09022015). Collection method: clinical testing. Allele origin: germline.
Comment: This sequence change creates a premature translational stop signal (p.Trp377*) in the TECTA gene. It is expected to result in an absent or disrupted protein product. Loss-of-function variants in TECTA are known to be pathogenic (PMID: 11087000, 12746400, 17431902, 24130743). This variant is present in population databases (no rsID available, gnomAD 0.002%). This variant has not been reported in the literature in individuals affected with TECTA-related conditions. ClinVar contains an entry for this variant (Variation ID: 503983). For these reasons, this variant has been classified as Pathogenic.

GeneDx
Classification: Pathogenic. Last evaluated: 2018-01-10. Review status: criteria provided, single submitter. Criteria: GeneDx Variant Classification (06012015). Collection method: clinical testing. Allele origin: germline. Affected: yes.
Comment: The c.1131_1134delGGTG variant in the TECTA gene has not been reported previously as a pathogenic variant nor as a benign variant, to our knowledge. The c.1131_1134delGGTG variant causes a frameshift at codon Tryptophan 377, changing this amino acid to a premature Stop codon, denoted p.Trp377Ter. This variant is predicted to cause loss of normal protein function either through protein truncation or nonsense-mediated mRNA decay. The c.1131_1134delGGTG variant is not observed in large population cohorts (Lek et al., 2016). We interpret c.1131_1134delGGTG as a pathogenic variant.

Literature cited by the submitters: PubMed 11087000 (cited by Labcorp Genetics (formerly Invitae), Labcorp); PubMed 12746400 (cited by Labcorp Genetics (formerly Invitae), Labcorp); PubMed 17431902 (cited by Labcorp Genetics (formerly Invitae), Labcorp); PubMed 24130743 (cited by Labcorp Genetics (formerly Invitae), Labcorp).

NM_005422.4(TECTA):c.1131_1134del (p.Ser376_Trp377insTer)

Genes: TBCEL-TECTA (TBCEL-TECTA readthrough; plus strand), TECTA (tectorin alpha; plus strand). Cytogenetic location: 11q23.3.
Variant type: Deletion.
Coding change: c.1131_1134del on transcript NM_005422.4 (MANE Select); coding-DNA positions 1131 to 1134, 4 bases deleted (GGTG; older notation c.1131_1134delGGTG).
Protein change: p.Ser376_Trp377insTer.
Molecular consequence: nonsense.
Genome position (GRCh38, 1-based): chr11:121,118,646-121,118,649, GGTG deleted; deleting any 4 consecutive bases within chr11:121,118,644-121,118,649 gives the same sequence; the c. name uses the placement nearest the transcript's 3' end. VCF-style (leftmost placement, unchanged base first): chr11-121118643-CTGGG-C. GRCh37 (hg19) VCF-style: chr11-120989352-CTGGG-C.
Other names: c.2088_2091del, p.Ser695_Trp696insTer (NM_001378761.1); c.1131_1134delGGTG (NM_005422.2).
Identifiers: ClinVar variation 503983 (VCV000503983.5), dbSNP rs1330220728, ClinGen allele CA602580235.
Genomic context (GRCh38, chr11:121,118,643, plus strand): 5'-CAGCCTCCCTTTCTTCAGTGTGGAGGCCAAGAATGAACACCGCAGAGGTTCAGCCGTCTC[CTGGG>C]TGAAGGAGCTCTCAGTGGAGGTGAATGGCTACAAGATTCTCATCCCCAAAGGAAGCTATG-3'